The following is an entry in ClinVar:

ClinVar aggregate classification (germline): Benign/Likely benign. Review status: criteria provided, multiple submitters, no conflicts (2 of 4 stars). 3 submissions from 3 submitters: Benign (1); Likely benign (2). Last evaluated 2024-05-10.

Conditions:
Ataxia-telangiectasia syndrome (AT). Also called: Ataxia-telangiectasia, complementation group D; AT, COMPLEMENTATION GROUP C; ATAXIA-TELANGIECTASIA, COMPLEMENTATION GROUP A; ATAXIA-TELANGIECTASIA, FRESNO VARIANT; Ataxia-telangiectasia; LOUIS-BAR SYNDROME. Identifiers: Orphanet 100, MedGen C0004135, MONDO:0008840, OMIM 208900.
Hereditary cancer-predisposing syndrome. Also called: Neoplastic Syndromes, Hereditary; Tumor predisposition; Hereditary neoplastic syndrome; Hereditary Cancer Syndrome. Identifiers: Orphanet 140162, MedGen C0027672, MeSH D009386, MONDO:0015356.
Familial cancer of breast. Also called: BREAST CANCER, FAMILIAL; hereditary breast carcinoma; Hereditary breast cancer. Identifiers: Orphanet 227535, MedGen C0346153, MONDO:0016419, OMIM 114480. Disease mechanism: loss of function.

Submissions (3):

Myriad Genetics, Inc.
Classification: Benign for Familial cancer of breast. Last evaluated: 2024-05-10. Review status: criteria provided, single submitter. Criteria: Myriad Autosomal Dominant, Autosomal Recessive and X-Linked Classification Criteria (2023). Collection method: clinical testing. Allele origin: unknown.
Comment: This variant is considered benign. This variant is a silent/synonymous amino acid change and it is not expected to impact splicing.

Labcorp Genetics (formerly Invitae), Labcorp
Classification: Likely benign for Ataxia-telangiectasia syndrome. Last evaluated: 2022-03-20. Review status: criteria provided, single submitter. Criteria: Invitae Variant Classification Sherloc (09022015). Collection method: clinical testing. Allele origin: germline.

Ambry Genetics
Classification: Likely benign for Hereditary cancer-predisposing syndrome. Last evaluated: 2021-06-23. Review status: criteria provided, single submitter. Criteria: Ambry Variant Classification Scheme 2023. Collection method: clinical testing. Allele origin: germline.

NM_000051.4(ATM):c.2883G>A (p.Leu961=)

Gene: ATM (ATM serine/threonine kinase; plus strand). Cytogenetic location: 11q22.3.
Variant type: single nucleotide variant.
Coding change: c.2883G>A on transcript NM_000051.4 (MANE Select); coding-DNA position 2883, G replaced by A.
Protein change: p.Leu961=; no amino-acid change (leucine 961 retained).
Molecular consequence: synonymous variant.
Genome position (GRCh38, 1-based): chr11:108,271,108, G>A. VCF-style: chr11-108271108-G-A. GRCh37 (hg19) VCF-style: chr11-108141835-G-A.
Other names: c.2883G>A, p.Leu961= (NM_001351834.2).
Identifiers: ClinVar variation 1797204 (VCV001797204.8), dbSNP rs1244599957, ClinGen allele CA476674175.